The following is an entry in ClinVar:

ClinVar aggregate classification (germline): Uncertain significance (1 of 4 stars; one submission).

Conditions:
Frontotemporal dementia and/or amyotrophic lateral sclerosis 8. Identifiers: MedGen C5436881, MONDO:0030872, OMIM 619132.

Submission:

3billion
Classification: Uncertain significance for Frontotemporal dementia and/or amyotrophic lateral sclerosis 8. Last evaluated: 2024-12-16. Review status: criteria provided, single submitter. Criteria: ACMG Guidelines, 2015. Collection method: clinical testing. Allele origin: germline. Affected: yes.
Comment: The variant is not observed in the gnomAD v4.1.0 dataset. Predicted Consequence/Location: Intron variant In silico tools predict the variant to alter splicing and produce an abnormal transcript [SpliceAI: 0.39 (>=0.2, moderate evidence for spliceogenicity)]. Therefore, this variant is classified as VUS according to the recommendation of ACMG/AMP guideline.

NM_001378743.1(CYLD):c.913+5769A>G

Gene: CYLD (CYLD lysine 63 deubiquitinase; plus strand). Cytogenetic location: 16q12.1.
Variant type: single nucleotide variant.
Coding change: c.913+5769A>G on transcript NM_001378743.1 (MANE Select); 5769 bases into the intron after coding-DNA position 913, A replaced by G.
Molecular consequence: intron variant.
Genome position (GRCh38, 1-based): chr16:50,760,193, A>G. VCF-style: chr16-50760193-A-G. GRCh37 (hg19) VCF-style: chr16-50794104-A-G.
Other names: c.913+5769A>G (NM_015247.3, NM_001378745.1, NM_001378744.1 and 10 more transcripts); c.247+5769A>G (NM_001378754.1, NM_001378755.1).
Identifiers: ClinVar variation 4291730 (VCV004291730.1).